The following is an entry in ClinVar:

NM_005609.4(PYGM):c.855+3G>T

Gene: PYGM (glycogen phosphorylase, muscle associated; minus strand). Cytogenetic location: 11q13.1.
Variant type: single nucleotide variant.
Coding change: c.855+3G>T on transcript NM_005609.4 (MANE Select); 3 bases into the intron after coding-DNA position 855, G replaced by T.
Molecular consequence: intron variant.
Genome position (GRCh38, 1-based): chr11:64,755,270, C>A on the plus strand (G>T on the coding strand, the complement: PYGM is on the minus strand). VCF-style: chr11-64755270-C-A. GRCh37 (hg19) VCF-style: chr11-64522742-C-A.
Other names: c.591+3G>T (NM_001164716.1).
Identifiers: ClinVar variation 2022343 (VCV002022343.4), dbSNP rs1460614971, ClinGen allele CA679274887.
Genomic context (GRCh38, chr11:64,755,270, plus strand): 5'-CTCTCCCTGACCCCTGCTGCCAAGGACTCAGGCTTCCAGCCCCCAGCCCAGGGGGTGACG[C>A]ACATTATCATTGGGGTACAGGACACGAGAGATGTTCTCCGCCAGGTTTCGGTCCAACACA-3'

ClinVar aggregate classification (germline): Uncertain significance (1 of 4 stars; one submission).

Conditions:
Glycogen storage disease, type V (GSD5). Also called: MCARDLE DISEASE; MUSCLE GLYCOGEN PHOSPHORYLASE DEFICIENCY; MYOPHOSPHORYLASE DEFICIENCY; PYGM DEFICIENCY; McArdle type glycogen storage disease. Identifiers: Orphanet 368, MedGen C0017924, MONDO:0009293, OMIM 232600.

Allele frequency attached by ClinVar (database versions not stated): TOPMed 0.00001.

Submission:

Labcorp Genetics (formerly Invitae), Labcorp
Classification: Uncertain significance for Glycogen storage disease, type V. Last evaluated: 2022-02-03. Review status: criteria provided, single submitter. Criteria: Invitae Variant Classification Sherloc (09022015). Collection method: clinical testing. Allele origin: germline.
Comment: In summary, the available evidence is currently insufficient to determine the role of this variant in disease. Therefore, it has been classified as a Variant of Uncertain Significance. Variants that disrupt the consensus splice site are a relatively common cause of aberrant splicing (PMID: 17576681, 9536098). Experimental studies and prediction algorithms are not available or were not evaluated, and the effect of this variant on mRNA splicing is currently unknown. This variant has not been reported in the literature in individuals affected with PYGM-related conditions. This variant is not present in population databases (gnomAD no frequency). This sequence change falls in intron 7 of the PYGM gene. It does not directly change the encoded amino acid sequence of the PYGM protein. It affects a nucleotide within the consensus splice site.

Literature cited by the submitters: PubMed 17576681; PubMed 9536098.